The following is an entry in ClinVar:

NM_002047.4(GARS1):c.47TGC[6] (p.Leu20dup)

Gene: GARS1 (glycyl-tRNA synthetase 1; plus strand). Cytogenetic location: 7p14.3.
Variant type: Microsatellite.
Coding change: c.47TGC[6] on transcript NM_002047.4 (MANE Select); six copies in a row of the 3-base unit TGC starting at c.47; the reference has five copies in a row; one copy, 3 bases duplicated; also written c.59_61dup.
Protein change: p.Leu20dup; duplicates leucine 20.
Molecular consequence: inframe insertion. On other transcripts: 5 prime UTR variant (1).
Genome position (GRCh38, 1-based): chr7:30,594,980-30,594,982, TGC duplicated; duplicating any 3 consecutive bases within chr7:30,594,967-30,594,982 gives the same sequence; the position shown is the placement nearest the transcript's 3' end. VCF-style (leftmost placement, unchanged base first): chr7-30594966-T-TCTG. GRCh37 (hg19) VCF-style: chr7-30634582-T-TCTG.
Other names: c.59_61dup (NM_002047.2); c.-116TGC[6] (NM_001316772.1).
Identifiers: ClinVar variation 476759 (VCV000476759.12), dbSNP rs150213018, ClinGen allele CA4205577.

ClinVar aggregate classification (germline): Conflicting classifications of pathogenicity. Review status: criteria provided, conflicting classifications (1 of 4 stars). 3 submissions from 3 submitters: Uncertain significance (2); Likely benign (1). Last evaluated 2025-03-13.

Conditions:
Charcot-Marie-Tooth disease type 2. Also called: Charcot-Marie-Tooth type 2. Identifiers: Orphanet 64746, MedGen C0270914, MONDO:0018993.

Submissions (3):

GeneDx
Classification: Uncertain significance. Last evaluated: 2025-03-13. Review status: criteria provided, single submitter. Criteria: GeneDx Variant Classification Process June 2021. Collection method: clinical testing. Allele origin: germline. Affected: yes.
Comment: In-frame duplication of 1 amino acid in a repetitive region with no known function; Has not been previously published as pathogenic or benign to our knowledge

Labcorp Genetics (formerly Invitae), Labcorp
Classification: Uncertain significance for Charcot-Marie-Tooth disease type 2. Last evaluated: 2024-11-19. Review status: criteria provided, single submitter. Criteria: Invitae Variant Classification Sherloc (09022015). Collection method: clinical testing. Allele origin: germline.
Comment: This variant, c.59_61dup, results in the insertion of 1 amino acid(s) of the GARS protein (p.Leu20dup), but otherwise preserves the integrity of the reading frame. This variant is present in population databases (rs760759910, gnomAD 0.02%). This variant has not been reported in the literature in individuals affected with GARS-related conditions. Experimental studies and prediction algorithms are not available or were not evaluated, and the functional significance of this variant is currently unknown. In summary, the available evidence is currently insufficient to determine the role of this variant in disease. Therefore, it has been classified as a Variant of Uncertain Significance.

Ambry Genetics
Classification: Likely benign. Last evaluated: 2023-10-20. Review status: criteria provided, single submitter. Criteria: Ambry Variant Classification Scheme 2023. Collection method: clinical testing. Allele origin: germline.